The following is an entry in ClinVar:

ClinVar aggregate classification (germline): Conflicting classifications of pathogenicity. Review status: criteria provided, conflicting classifications (1 of 4 stars). 5 submissions from 5 submitters: Uncertain significance (3); Likely benign (1). 1 of the submissions does not count toward it. Last evaluated 2025-12-09.

Conditions:
IMAGe syndrome. Also called: Intrauterine growth retardation, metaphyseal dysplasia, adrenal hypoplasia congenita, and genital anomalies; Intrauterine Growth Restriction, Metaphyseal Dysplasia, Adrenal Hypoplasia Congenita, and Genital Anomalies. Identifiers: Orphanet 85173, MedGen C1846009, MONDO:0013873, OMIM 614732.
Beckwith-Wiedemann syndrome (BWS). Also called: EMG SYNDROME; Exomphalos macroglossia gigantism syndrome. Identifiers: Orphanet 116, MedGen C0004903, MONDO:0007534, OMIM 130650.
CDKN1C-related disorder. Also called: CDKN1C-related condition.

Allele frequency attached by ClinVar (database versions not stated): ExAC below 0.00001; gnomAD 0.00021 and 0.00023; TOPMed 0.00026; 1000 Genomes Project 30x 0.00047.
gnomAD v4.1: 50 of 1,497,832 alleles (0.0033%); highest among the groups gnomAD compares: African/African-American, 0.067%; no homozygotes.

Submissions (5):

Labcorp Genetics (formerly Invitae), Labcorp
Classification: Uncertain significance for Beckwith-Wiedemann syndrome. Last evaluated: 2025-12-09. Review status: criteria provided, single submitter. Criteria: Invitae Variant Classification Sherloc (09022015). Collection method: clinical testing. Allele origin: germline.
Comment: This sequence change replaces proline, which is neutral and non-polar, with alanine, which is neutral and non-polar, at codon 118 of the CDKN1C protein (p.Pro118Ala). This variant is present in population databases (rs772684721, gnomAD 0.05%), and has an allele count higher than expected for a pathogenic variant. This variant has not been reported in the literature in individuals affected with CDKN1C-related conditions. ClinVar contains an entry for this variant (Variation ID: 524697). Invitae Evidence Modeling of protein sequence and biophysical properties (such as structural, functional, and spatial information, amino acid conservation, physicochemical variation, residue mobility, and thermodynamic stability) indicates that this missense variant is not expected to disrupt CDKN1C protein function with a negative predictive value of 80%. In summary, the available evidence is currently insufficient to determine the role of this variant in disease. Therefore, it has been classified as a Variant of Uncertain Significance.

Fulgent Genetics
Classification: Likely benign for Beckwith-Wiedemann syndrome; IMAGe syndrome. Last evaluated: 2024-01-06. Review status: criteria provided, single submitter. Criteria: ACMG Guidelines, 2015. Collection method: clinical testing. Allele origin: germline.

Baylor Genetics
Classification: Uncertain significance for Beckwith-Wiedemann syndrome. Last evaluated: 2023-10-25. Review status: criteria provided, single submitter. Criteria: ACMG Guidelines, 2015. Collection method: clinical testing. Allele origin: unknown.

GeneDx
Classification: Uncertain significance. Last evaluated: 2019-04-26. Review status: criteria provided, single submitter. Criteria: GeneDx Variant Classification Process June 2021. Collection method: clinical testing. Allele origin: germline. Affected: yes.
Comment: In silico analysis, which includes protein predictors and evolutionary conservation, supports that this variant does not alter protein structure/function; Has not been previously published as pathogenic or benign to our knowledge

PreventionGenetics, part of Exact Sciences
Classification: Likely benign for CDKN1C-related condition. Last evaluated: 2022-05-09. Review status: no assertion criteria provided. Collection method: clinical testing. Allele origin: germline. Not counted in ClinVar's aggregate classification.
Comment: This variant is classified as likely benign based on ACMG/AMP sequence variant interpretation guidelines (Richards et al. 2015 PMID: 25741868, with internal and published modifications).

NM_001122630.2(CDKN1C):c.319C>G (p.Pro107Ala)

Gene: CDKN1C (cyclin dependent kinase inhibitor 1C; minus strand). Cytogenetic location: 11p15.4.
Variant type: single nucleotide variant.
Coding change: c.319C>G on transcript NM_001122630.2 (MANE Select); coding-DNA position 319, C replaced by G.
Protein change: p.Pro107Ala; replaces proline 107 with alanine.
Molecular consequence: missense variant. On other transcripts: intron variant (1).
Genome position (GRCh38, 1-based): chr11:2,885,138, G>C on the plus strand (C>G on the coding strand, the complement: CDKN1C is on the minus strand). VCF-style: chr11-2885138-G-C. GRCh37 (hg19) VCF-style: chr11-2906368-G-C.
Other names: c.352C>G, p.Pro118Ala (NM_000076.2, NM_001362474.2, LRG_533t1); c.319C>G, p.Pro107Ala (NM_001122631.2); c.255+64C>G (NM_001362475.2); short protein forms P118A, P107A.
Identifiers: ClinVar variation 524697 (VCV000524697.16), dbSNP rs772684721, ClinGen allele CA5822213.